The following is an entry in ClinVar:

ClinVar aggregate classification (germline): Uncertain significance (1 of 4 stars; one submission).

Conditions:
COG1 congenital disorder of glycosylation (CDG2G). Also called: CONGENITAL DISORDER OF GLYCOSYLATION, TYPE IIg; CDG IIg; CDGII/COG1 CEREBROCOSTOMANDIBULAR-LIKE SYNDROME. Identifiers: Orphanet 263508, MedGen C2931011, MONDO:0012637, OMIM 611209.

Allele frequency attached by ClinVar (database versions not stated): gnomAD 0.00001; gnomAD exomes 0.00001 and 0.00002; TOPMed 0.00001; ExAC 0.00002.
gnomAD v4.1: 25 of 1,614,116 alleles (0.0015%); highest among the groups gnomAD compares: East Asian, 0.0045%; no homozygotes.

Submission:

Labcorp Genetics (formerly Invitae), Labcorp
Classification: Uncertain significance for COG1 congenital disorder of glycosylation. Last evaluated: 2022-03-18. Review status: criteria provided, single submitter. Criteria: Invitae Variant Classification Sherloc (09022015). Collection method: clinical testing. Allele origin: germline.
Comment: This sequence change replaces valine, which is neutral and non-polar, with methionine, which is neutral and non-polar, at codon 575 of the COG1 protein (p.Val575Met). This variant is present in population databases (rs755592132, gnomAD 0.002%). This variant has not been reported in the literature in individuals affected with COG1-related conditions. Algorithms developed to predict the effect of missense changes on protein structure and function output the following: SIFT: "Tolerated"; PolyPhen-2: "Benign"; Align-GVGD: "Class C0". The methionine amino acid residue is found in multiple mammalian species, which suggests that this missense change does not adversely affect protein function. In summary, the available evidence is currently insufficient to determine the role of this variant in disease. Therefore, it has been classified as a Variant of Uncertain Significance.

NM_018714.3(COG1):c.1723G>A (p.Val575Met)

Gene: COG1 (component of oligomeric golgi complex 1; plus strand). Cytogenetic location: 17q25.1.
Variant type: single nucleotide variant.
Coding change: c.1723G>A on transcript NM_018714.3 (MANE Select); coding-DNA position 1723, G replaced by A.
Protein change: p.Val575Met; replaces valine 575 with methionine.
Molecular consequence: missense variant.
Genome position (GRCh38, 1-based): chr17:73,201,550, G>A. VCF-style: chr17-73201550-G-A. GRCh37 (hg19) VCF-style: chr17-71197689-G-A.
Other names: short protein forms V575M.
Identifiers: ClinVar variation 1449433 (VCV001449433.6), dbSNP rs755592132, ClinGen allele CA8740275.
Genomic context (GRCh38, chr17:73,201,550, plus strand): 5'-TCTGCCTTTGACAGATACGCAGATGCGGGGACCGTGCAGGAGATGCTGCGGACTCAGTCC[G>A]TGGCATGCATCAAGCACATCGTGGACTGCATCCGGGCAGAGCTACAGAGCATTGAAGAGG-3'
Protein context (NP_061184.1, residues 565-585): TVQEMLRTQS[Val575Met]ACIKHIVDCI